The following is an entry in ClinVar:

ClinVar aggregate classification (germline): Pathogenic (1 of 4 stars; one submission).

Submission:

Labcorp Genetics (formerly Invitae), Labcorp
Classification: Pathogenic. Last evaluated: 2023-10-15. Review status: criteria provided, single submitter. Criteria: Invitae Variant Classification Sherloc (09022015). Collection method: clinical testing. Allele origin: germline.
Comment: This sequence change creates a premature translational stop signal (p.Lys1087Serfs*14) in the ABCA12 gene. It is expected to result in an absent or disrupted protein product. Loss-of-function variants in ABCA12 are known to be pathogenic (PMID: 20672373). This variant is not present in population databases (gnomAD no frequency). This variant has not been reported in the literature in individuals affected with ABCA12-related conditions. For these reasons, this variant has been classified as Pathogenic.

Literature cited by the submitters: PubMed 20672373.

NM_173076.3(ABCA12):c.3260del (p.Lys1087fs)

Gene: ABCA12 (ATP binding cassette subfamily A member 12; minus strand). Cytogenetic location: 2q35.
Variant type: Deletion.
Coding change: c.3260del on transcript NM_173076.3 (MANE Select); coding-DNA position 3260, one base deleted (A; older notation c.3260delA).
Protein change: p.Lys1087fs; shifts the reading frame from lysine 1087.
Molecular consequence: frameshift variant. On other transcripts: non-coding transcript variant (1).
Genome position (GRCh38, 1-based): chr2:214,997,729, T deleted on the plus strand (A on the coding strand, the reverse complement: ABCA12 is on the minus strand); the first of 6 consecutive T bases (chr2:214,997,729-214,997,734); deleting any one gives the same sequence. VCF-style (leftmost placement, unchanged base first): chr2-214997728-CT-C. GRCh37 (hg19) VCF-style: chr2-215862452-CT-C.
Other names: c.2306del, p.Lys769fs (NM_015657.4); short protein forms K769fs, K1087fs.
Identifiers: ClinVar variation 2976218 (VCV002976218.3), dbSNP rs1700065319, ClinGen allele CA2740096435.